The following is an entry in ClinVar:

ClinVar aggregate classification (germline): Pathogenic/Likely pathogenic. Review status: criteria provided, multiple submitters, no conflicts (2 of 4 stars). 2 submissions from 2 submitters: Pathogenic (1); Likely pathogenic (1). Last evaluated 2025-09-05.

Conditions:
Hereditary cancer-predisposing syndrome. Also called: Neoplastic Syndromes, Hereditary; Tumor predisposition; Hereditary neoplastic syndrome; Hereditary Cancer Syndrome. Identifiers: Orphanet 140162, MedGen C0027672, MeSH D009386, MONDO:0015356.
Fanconi anemia complementation group J. Also called: BRIP1-Related Fanconi Anemia. Identifiers: Orphanet 84, MedGen C1836860, MONDO:0012187, OMIM 609054.
Familial cancer of breast. Also called: BREAST CANCER, FAMILIAL; Hereditary breast cancer; hereditary breast carcinoma. Identifiers: Orphanet 227535, MedGen C0346153, MONDO:0016419, OMIM 114480. Disease mechanism: loss of function.

Submissions (2):

Ambry Genetics
Classification: Likely pathogenic for Hereditary cancer-predisposing syndrome. Last evaluated: 2025-09-05. Review status: criteria provided, single submitter. Criteria: Ambry Variant Classification Scheme 2023. Collection method: clinical testing. Allele origin: germline.
Comment: The c.72delA variant, located in coding exon 1 of the BRIP1 gene, results from a deletion of one nucleotide at nucleotide position 72, causing a translational frameshift with a predicted alternate stop codon (p.Q25Sfs*4). The predicted stop codon occurs in the 5&rsquo; end of theBRIP1 gene. Premature termination codons in the 5&rsquo; end of a gene have been reported to escape nonsense-mediated mRNAdecay and/or lead to re-initiation (Rivas et al. Science. 2015 May 8;348(6235):666-9; Lindeboom et al. Nat Genet. 2016 Oct;48(10):1112-8; Rhee et al. Sci Rep. 2017 May 10;7(1):1653). Direct evidence for this alteration is unavailable, however premature termination codons are typically deleterious in nature. This variant is considered to be rare based on population cohorts in the Genome Aggregation Database (gnomAD). Based on the majority of available evidence to date, this variant is likely to be pathogenic.

Labcorp Genetics (formerly Invitae), Labcorp
Classification: Pathogenic for Familial cancer of breast; Fanconi anemia complementation group J. Last evaluated: 2025-06-24. Review status: criteria provided, single submitter. Criteria: Invitae Variant Classification Sherloc (09022015). Collection method: clinical testing. Allele origin: germline.
Comment: This sequence change creates a premature translational stop signal (p.Gln25Serfs*4) in the BRIP1 gene. It is expected to result in an absent or disrupted protein product. Loss-of-function variants in BRIP1 are known to be pathogenic (PMID: 16116423, 17033622, 21964575). This variant is not present in population databases (gnomAD no frequency). This variant has not been reported in the literature in individuals affected with BRIP1-related conditions. ClinVar contains an entry for this variant (Variation ID: 1758192). For these reasons, this variant has been classified as Pathogenic.

Literature cited by the submitters: PubMed 16116423 (cited by Labcorp Genetics (formerly Invitae), Labcorp); PubMed 17033622 (cited by Labcorp Genetics (formerly Invitae), Labcorp); PubMed 21964575 (cited by Labcorp Genetics (formerly Invitae), Labcorp).

NM_032043.3(BRIP1):c.72del (p.Gln25fs)

Gene: BRIP1 (BRCA1 interacting DNA helicase 1; minus strand). Cytogenetic location: 17q23.2.
Variant type: Deletion.
Coding change: c.72del on transcript NM_032043.3 (MANE Select); coding-DNA position 72, one base deleted (A; older notation c.72delA).
Protein change: p.Gln25fs; shifts the reading frame from glutamine 25.
Molecular consequence: frameshift variant.
Genome position (GRCh38, 1-based): chr17:61,861,468, T deleted on the plus strand (A on the coding strand, the reverse complement: BRIP1 is on the minus strand). VCF-style (leftmost placement, unchanged base first): chr17-61861467-GT-G. GRCh37 (hg19) VCF-style: chr17-59938828-GT-G.
Other names: short protein forms Q25fs.
Identifiers: ClinVar variation 1758192 (VCV001758192.4), dbSNP rs2545480017, ClinGen allele CA2580094658.